The following is an entry in ClinVar:

ClinVar aggregate classification (germline): Uncertain significance. Review status: criteria provided, multiple submitters, no conflicts (2 of 4 stars). 2 submissions from 2 submitters: Uncertain significance (2). Last evaluated 2024-08-31.

Conditions:
Glycogen storage disease type III (GSD3). Also called: FORBES DISEASE; Cori disease. Identifiers: Orphanet 366, MedGen C0017922, MONDO:0009291, OMIM 232400.

Allele frequency attached by ClinVar (database versions not stated): gnomAD exomes below 0.00001; gnomAD 0.00004; TOPMed 0.00006.
gnomAD v4.1: 9 of 1,613,418 alleles (0.00056%); highest among the groups gnomAD compares: African/African-American, 0.012%; no homozygotes.

Submissions (2):

Women's Health and Genetics/Laboratory Corporation of America, LabCorp
Classification: Uncertain significance. Last evaluated: 2024-08-31. Review status: criteria provided, single submitter. Criteria: LabCorp Variant Classification Summary - May 2015. Collection method: clinical testing. Allele origin: germline.

Labcorp Genetics (formerly Invitae), Labcorp
Classification: Uncertain significance for Glycogen storage disease type III. Last evaluated: 2022-05-21. Review status: criteria provided, single submitter. Criteria: Invitae Variant Classification Sherloc (09022015). Collection method: clinical testing. Allele origin: germline.
Comment: This sequence change falls in intron 15 of the AGL gene. It does not directly change the encoded amino acid sequence of the AGL protein. It affects a nucleotide within the consensus splice site. This variant is present in population databases (no rsID available, gnomAD 0.008%). This variant has not been reported in the literature in individuals affected with AGL-related conditions. Variants that disrupt the consensus splice site are a relatively common cause of aberrant splicing (PMID: 17576681, 9536098). Algorithms developed to predict the effect of sequence changes on RNA splicing suggest that this variant is not likely to affect RNA splicing. In summary, the available evidence is currently insufficient to determine the role of this variant in disease. Therefore, it has been classified as a Variant of Uncertain Significance.

Literature cited by the submitters: PubMed 17576681 (cited by Labcorp Genetics (formerly Invitae), Labcorp); PubMed 9536098 (cited by Labcorp Genetics (formerly Invitae), Labcorp).

NM_000642.3(AGL):c.2001+4T>C

Gene: AGL (amylo-alpha-1,6-glucosidase and 4-alpha-glucanotransferase; plus strand). Cytogenetic location: 1p21.2.
Variant type: single nucleotide variant.
Coding change: c.2001+4T>C on transcript NM_000642.3 (MANE Select); 4 bases into the intron after coding-DNA position 2001, T replaced by C.
Molecular consequence: intron variant.
Genome position (GRCh38, 1-based): chr1:99,881,181, T>C. VCF-style: chr1-99881181-T-C. GRCh37 (hg19) VCF-style: chr1-100346737-T-C.
Other names: c.2001+4T>C (NM_001425326.1, NM_001425325.1, NM_000028.3 and 2 more transcripts); c.1800+4T>C (NM_001425327.1); c.1797+4T>C (NM_001425328.1, NM_001425329.1); c.1623+4T>C (NM_001425332.1); c.1953+4T>C (NM_000646.3).
Identifiers: ClinVar variation 1362164 (VCV001362164.4), dbSNP rs989274141, ClinGen allele CA27515952.